The following is an entry in ClinVar:

NM_000238.4(KCNH2):c.901C>A (p.Arg301Ser)

Gene: KCNH2 (potassium voltage-gated channel subfamily H member 2; minus strand). Cytogenetic location: 7q36.1.
Variant type: single nucleotide variant.
Coding change: c.901C>A on transcript NM_000238.4 (MANE Select); coding-DNA position 901, C replaced by A.
Protein change: p.Arg301Ser; replaces arginine 301 with serine.
Molecular consequence: missense variant.
Genome position (GRCh38, 1-based): chr7:150,958,074, G>T on the plus strand (C>A on the coding strand, the complement: KCNH2 is on the minus strand). VCF-style: chr7-150958074-G-T. GRCh37 (hg19) VCF-style: chr7-150655162-G-T.
Other names: c.901C>A (NM_000238.2); c.613C>A, p.Arg205Ser (NM_001406753.1, NM_001406756.1); c.724C>A, p.Arg242Ser (NM_001406755.1); c.601C>A, p.Arg201Ser (NM_001406757.1); c.901C>A, p.Arg301Ser (NM_172056.3); short protein forms R201S, R242S, R301S, R205S.
Identifiers: ClinVar variation 1765492 (VCV001765492.8), dbSNP rs2486087962, ClinGen allele CA369862093.

ClinVar aggregate classification (germline): Uncertain significance. Review status: criteria provided, multiple submitters, no conflicts (2 of 4 stars). 3 submissions from 3 submitters: Uncertain significance (3). Last evaluated 2025-05-06.

Conditions:
Long QT syndrome (LQTS). Identifiers: MedGen C0023976, MeSH D008133, MONDO:0002442. Disease mechanism: loss of function. Inheritance: Various modes of inheritance.
Cardiovascular phenotype. Identifiers: MedGen CN230736.

Submissions (3):

GeneDx
Classification: Uncertain significance. Last evaluated: 2025-05-06. Review status: criteria provided, single submitter. Criteria: GeneDx Variant Classification Process June 2021. Collection method: clinical testing. Allele origin: germline. Affected: yes.
Comment: Not observed at significant frequency in large population cohorts (gnomAD); In silico analysis supports that this missense variant has a deleterious effect on protein structure/function; Has not been previously published as pathogenic or benign to our knowledge

Labcorp Genetics (formerly Invitae), Labcorp
Classification: Uncertain significance for Long QT syndrome. Last evaluated: 2024-10-24. Review status: criteria provided, single submitter. Criteria: Invitae Variant Classification Sherloc (09022015). Collection method: clinical testing. Allele origin: germline.
Comment: This sequence change replaces arginine, which is basic and polar, with serine, which is neutral and polar, at codon 301 of the KCNH2 protein (p.Arg301Ser). This variant is not present in population databases (gnomAD no frequency). This variant has not been reported in the literature in individuals affected with KCNH2-related conditions. ClinVar contains an entry for this variant (Variation ID: 1765492). An algorithm developed to predict the effect of missense changes on protein structure and function (PolyPhen-2) suggests that this variant is likely to be tolerated. In summary, the available evidence is currently insufficient to determine the role of this variant in disease. Therefore, it has been classified as a Variant of Uncertain Significance.

Ambry Genetics
Classification: Uncertain significance for Cardiovascular phenotype. Last evaluated: 2019-03-14. Review status: criteria provided, single submitter. Criteria: Ambry Variant Classification Scheme 2023. Collection method: clinical testing. Allele origin: germline.
Comment: The p.R301S variant (also known as c.901C>A), located in coding exon 4 of the KCNH2 gene, results from a C to A substitution at nucleotide position 901. The arginine at codon 301 is replaced by serine, an amino acid with dissimilar properties, and is located in the N-terminal, cytoplasmic region. Another variant affecting this codon (p.R301L, c.902G>T) was detected in a cohort referred for long QT syndrome genetic testing; however, clinical details were limited (Kapplinger JD et al. Heart Rhythm, 2009 Sep;6:1297-303). This amino acid position is well conserved in available vertebrate species. In addition, this alteration is predicted to be deleterious by in silico analysis. Since supporting evidence is limited at this time, the clinical significance of this alteration remains unclear.

Literature cited by the submitters: PubMed 19716085 (cited by Ambry Genetics).